The following is an entry in ClinVar:

NM_015135.3(NUP205):c.3364A>G (p.Ile1122Val)

Gene: NUP205 (nucleoporin 205; plus strand). Cytogenetic location: 7q33.
Variant type: single nucleotide variant.
Coding change: c.3364A>G on transcript NM_015135.3 (MANE Select); coding-DNA position 3364, A replaced by G.
Protein change: p.Ile1122Val; replaces isoleucine 1122 with valine.
Molecular consequence: missense variant.
Genome position (GRCh38, 1-based): chr7:135,615,969, A>G. VCF-style: chr7-135615969-A-G. GRCh37 (hg19) VCF-style: chr7-135300717-A-G.
Other names: c.2290A>G, p.Ile764Val (NM_001329434.2); short protein forms I764V, I1122V.
Identifiers: ClinVar variation 2480539 (VCV002480539.4), dbSNP rs138374976, ClinGen allele CA4498575.

ClinVar aggregate classification (germline): Uncertain significance. Review status: criteria provided, multiple submitters, no conflicts (2 of 4 stars). 2 submissions from 2 submitters: Uncertain significance (2). Last evaluated 2024-12-04.

Allele frequency attached by ClinVar (database versions not stated): ExAC 0.00002; gnomAD 0.00003; TOPMed 0.00003; ESP Exome Variant Server 0.00015.
gnomAD v4.1: 15 of 1,613,602 alleles (0.00093%); highest among the groups gnomAD compares: African/African-American, 0.008%; no homozygotes.

Submissions (2):

Labcorp Genetics (formerly Invitae), Labcorp
Classification: Uncertain significance. Last evaluated: 2024-12-04. Review status: criteria provided, single submitter. Criteria: Invitae Variant Classification Sherloc (09022015). Collection method: clinical testing. Allele origin: germline.
Comment: This sequence change replaces isoleucine, which is neutral and non-polar, with valine, which is neutral and non-polar, at codon 1122 of the NUP205 protein (p.Ile1122Val). This variant is present in population databases (rs138374976, gnomAD 0.01%). This variant has not been reported in the literature in individuals affected with NUP205-related conditions. ClinVar contains an entry for this variant (Variation ID: 2480539). Invitae Evidence Modeling of protein sequence and biophysical properties (such as structural, functional, and spatial information, amino acid conservation, physicochemical variation, residue mobility, and thermodynamic stability) indicates that this missense variant is not expected to disrupt NUP205 protein function with a negative predictive value of 80%. In summary, the available evidence is currently insufficient to determine the role of this variant in disease. Therefore, it has been classified as a Variant of Uncertain Significance.

Ambry Genetics
Classification: Uncertain significance. Last evaluated: 2023-02-01. Review status: criteria provided, single submitter. Criteria: Ambry Variant Classification Scheme 2023. Collection method: clinical testing. Allele origin: germline.